The following is an entry in ClinVar:

ClinVar aggregate classification (germline): Conflicting classifications of pathogenicity. Review status: criteria provided, conflicting classifications (1 of 4 stars). 5 submissions from 5 submitters: Likely pathogenic (2); Uncertain significance (2). 1 of the submissions does not count toward it. Last evaluated 2025-10-27.

Conditions:
Desmin-related myofibrillar myopathy (MFM1). Also called: Desminopathy; Desmin related myopathy (former name); Desmin storage myopathy (former name); MYOFIBRILLAR MYOPATHY WITH ARRHYTHMOGENIC RIGHT VENTRICULAR CARDIOMYOPATHY; DESMIN-RELATED MYOPATHY WITH ARRHYTHMOGENIC RIGHT VENTRICULAR CARDIOMYOPATHY; Myofibrillar myopathy 1. Identifiers: Orphanet 363543, Orphanet 98909, MedGen C1832370, MONDO:0011076, OMIM 601419.

Submissions (5):

Labcorp Genetics (formerly Invitae), Labcorp
Classification: Likely pathogenic for Desmin-related myofibrillar myopathy. Last evaluated: 2025-10-27. Review status: criteria provided, single submitter. Criteria: Invitae Variant Classification Sherloc (09022015). Collection method: clinical testing. Allele origin: germline.
Comment: This sequence change replaces arginine, which is basic and polar, with proline, which is neutral and non-polar, at codon 355 of the DES protein (p.Arg355Pro). This variant is not present in population databases (gnomAD no frequency). This missense change has been observed in individuals with autosomal dominant desminopathies (PMID: 16009553, 20696008). ClinVar contains an entry for this variant (Variation ID: 66389). Invitae Evidence Modeling of protein sequence and biophysical properties (such as structural, functional, and spatial information, amino acid conservation, physicochemical variation, residue mobility, and thermodynamic stability) indicates that this missense variant is expected to disrupt DES protein function with a positive predictive value of 95%. Experimental studies have shown that this missense change affects DES function (PMID: 20696008). In summary, the currently available evidence indicates that the variant is pathogenic, but additional data are needed to prove that conclusively. Therefore, this variant has been classified as Likely Pathogenic.

Revvity Omics, Revvity
Classification: Uncertain significance. Last evaluated: 2020-06-26. Review status: criteria provided, single submitter. Criteria: ACMG Guidelines, 2015. Collection method: clinical testing. Allele origin: germline.

SIB Swiss Institute of Bioinformatics
Classification: Likely pathogenic for Desmin-related myofibrillar myopathy. Last evaluated: 2018-04-16. Review status: criteria provided, single submitter. Criteria: ACMG Guidelines, 2015. Collection method: curation. Allele origin: germline.
Comment: This variant is interpreted as a Likely Pathogenic, for Myopathy, myofibrillar, 1, Autosomal Dominant inheritance. The following ACMG Tag(s) were applied: PM2 => Absent from controls (or at extremely low frequency if recessive) in Exome Sequencing Project, 1000 Genomes Project, or Exome Aggregation Consortium. PS3 => Well-established functional studies show a deleterious effect (PMID:20696008).

Eurofins Ntd Llc (ga)
Classification: Uncertain significance. Last evaluated: 2015-10-30. Review status: criteria provided, single submitter. Criteria: EGL Classification Definitions 2015. Collection method: clinical testing. Allele origin: germline. Observed: 1 variant allele, 1 heterozygote.

Epithelial Biology;  Institute of Medical Biology, Singapore
No classification provided. Review status: no classification provided. Collection method: not provided. Allele origin: not provided. Not counted in ClinVar's aggregate classification.

Literature cited by the submitters: PubMed 16009553 (cited by Labcorp Genetics (formerly Invitae), Labcorp and Eurofins Ntd Llc (ga)); PubMed 20696008 (cited by 3 submitters).

NM_001927.4(DES):c.1064G>C (p.Arg355Pro)

Gene: DES (desmin; plus strand). Cytogenetic location: 2q35.
Variant type: single nucleotide variant.
Coding change: c.1064G>C on transcript NM_001927.4 (MANE Select); coding-DNA position 1064, G replaced by C.
Protein change: p.Arg355Pro; replaces arginine 355 with proline.
Molecular consequence: missense variant.
Genome position (GRCh38, 1-based): chr2:219,421,380, G>C. VCF-style: chr2-219421380-G-C. GRCh37 (hg19) VCF-style: chr2-220286102-G-C.
Other names: NM_001927.3:c.1064G>C(p.Arg355Pro); c.1064G>C (LRG_380t1); short protein forms R355P.
Identifiers: ClinVar variation 66389 (VCV000066389.18), dbSNP rs61368398, ClinGen allele CA217005.
Genomic context (GRCh38, chr2:219,421,380, plus strand): 5'-GGGTTCCCCCTCTCCTGCAGAACGATTCCCTGATGAGGCAGATGCGGGAATTGGAGGACC[G>C]ATTTGCCAGTGAGGCCAGTGGCTACCAGGACAACATTGCGCGCCTGGAGGAGGAAATCCG-3'
Protein context (NP_001918.3, residues 345-365): LMRQMRELED[Arg355Pro]FASEASGYQD